The following is an entry in ClinVar:

NM_001103.4(ACTN2):c.1388C>G (p.Ala463Gly)

Gene: ACTN2 (actinin alpha 2; plus strand). Cytogenetic location: 1q43.
Variant type: single nucleotide variant.
Coding change: c.1388C>G on transcript NM_001103.4 (MANE Select); coding-DNA position 1388, C replaced by G.
Protein change: p.Ala463Gly; replaces alanine 463 with glycine.
Molecular consequence: missense variant.
Genome position (GRCh38, 1-based): chr1:236,744,758, C>G. VCF-style: chr1-236744758-C-G. GRCh37 (hg19) VCF-style: chr1-236908058-C-G.
Other names: c.1388C>G, p.Ala463Gly (NM_001278343.2); c.764C>G, p.Ala255Gly (NM_001278344.2); c.638C>G, p.Ala213Gly (NM_001412150.1); short protein forms A213G, A463G, A255G.
Identifiers: ClinVar variation 2151781 (VCV002151781.4), dbSNP rs950519789, ClinGen allele CA345383151.

ClinVar aggregate classification (germline): Uncertain significance (1 of 4 stars; one submission).

Conditions:
Primary familial hypertrophic cardiomyopathy (HCM). Identifiers: Orphanet 99739, MedGen C0949658, MeSH D024741, MONDO:0024573. Inheritance: Various modes of inheritance.
Dilated cardiomyopathy 1AA (CMD1AA). Also called: Cardiomyopathy, dilated, 1AA, with or without LVNC; CARDIOMYOPATHY, FAMILIAL HYPERTROPHIC, 23, WITH OR WITHOUT LEFT VENTRICULAR NONCOMPACTION; CARDIOMYOPATHY, DILATED, 1AA, WITH OR WITHOUT LEFT VENTRICULAR NONCOMPACTION. Identifiers: Orphanet 154, MedGen C2677338, MONDO:0012808, OMIM 612158.

Submission:

Labcorp Genetics (formerly Invitae), Labcorp
Classification: Uncertain significance for Primary familial hypertrophic cardiomyopathy; Dilated cardiomyopathy 1AA. Last evaluated: 2025-01-27. Review status: criteria provided, single submitter. Criteria: Invitae Variant Classification Sherloc (09022015). Collection method: clinical testing. Allele origin: germline.
Comment: This sequence change replaces alanine, which is neutral and non-polar, with glycine, which is neutral and non-polar, at codon 463 of the ACTN2 protein (p.Ala463Gly). This variant is not present in population databases (gnomAD no frequency). This variant has not been reported in the literature in individuals affected with ACTN2-related conditions. ClinVar contains an entry for this variant (Variation ID: 2151781). Invitae Evidence Modeling of protein sequence and biophysical properties (such as structural, functional, and spatial information, amino acid conservation, physicochemical variation, residue mobility, and thermodynamic stability) indicates that this missense variant is not expected to disrupt ACTN2 protein function with a negative predictive value of 80%. In summary, the available evidence is currently insufficient to determine the role of this variant in disease. Therefore, it has been classified as a Variant of Uncertain Significance.